The following is an entry in ClinVar:

ClinVar aggregate classification (germline): Uncertain significance (1 of 4 stars; one submission).

Allele frequency attached by ClinVar (database versions not stated): gnomAD exomes 0.00001; gnomAD 0.00001; TOPMed 0.00001; ExAC 0.00002.
gnomAD v4.1: 23 of 1,614,014 alleles (0.0014%); highest among the groups gnomAD compares: Non-Finnish European, 0.0019%; no homozygotes.

Submission:

Labcorp Genetics (formerly Invitae), Labcorp
Classification: Uncertain significance. Last evaluated: 2025-04-28. Review status: criteria provided, single submitter. Criteria: Invitae Variant Classification Sherloc (09022015). Collection method: clinical testing. Allele origin: germline.
Comment: This sequence change replaces serine, which is neutral and polar, with arginine, which is basic and polar, at codon 79 of the MCM5 protein (p.Ser79Arg). This variant is present in population databases (rs754281694, gnomAD 0.004%). This variant has not been reported in the literature in individuals affected with MCM5-related conditions. ClinVar contains an entry for this variant (Variation ID: 2976121). Invitae Evidence Modeling of protein sequence and biophysical properties (such as structural, functional, and spatial information, amino acid conservation, physicochemical variation, residue mobility, and thermodynamic stability) indicates that this missense variant is not expected to disrupt MCM5 protein function with a negative predictive value of 80%. In summary, the available evidence is currently insufficient to determine the role of this variant in disease. Therefore, it has been classified as a Variant of Uncertain Significance.

NM_006739.4(MCM5):c.237C>G (p.Ser79Arg)

Gene: MCM5 (minichromosome maintenance complex component 5; plus strand). Cytogenetic location: 22q12.3.
Variant type: single nucleotide variant.
Coding change: c.237C>G on transcript NM_006739.4 (MANE Select); coding-DNA position 237, C replaced by G.
Protein change: p.Ser79Arg; replaces serine 79 with arginine.
Molecular consequence: missense variant.
Genome position (GRCh38, 1-based): chr22:35,403,276, C>G. VCF-style: chr22-35403276-C-G. GRCh37 (hg19) VCF-style: chr22-35799269-C-G.
Other names: short protein forms S79R.
Identifiers: ClinVar variation 2976121 (VCV002976121.3), dbSNP rs754281694, ClinGen allele CA10204960.
Genomic context (GRCh38, chr22:35,403,276, plus strand): 5'-CAAGCGGCATTACAACCTGGGGGAGTACTGGATTGAGGTGGAGATGGAGGATCTGGCCAG[C>G]TTTGATGAGGACCTGGCCGACTACTTGTACAAGCAGCCAGCCGAGCACCTGCAGCTGGTG-3'
Protein context (NP_006730.2, residues 69-89): WIEVEMEDLA[Ser79Arg]FDEDLADYLY